The following is an entry in ClinVar:

ClinVar aggregate classification (germline): Likely pathogenic (1 of 4 stars; one submission).

Conditions:
COL4A4-related disorder.

Allele frequency attached by ClinVar (database versions not stated): gnomAD exomes below 0.00001; ExAC 0.00001.
gnomAD v4.1: 1 of 1,613,834 alleles (0.000062%); highest among the groups gnomAD compares: Non-Finnish European, 0.000085%; no homozygotes.

Submission:

PreventionGenetics, part of Exact Sciences
Classification: Likely pathogenic for COL4A4-related condition. Last evaluated: 2023-05-15. Review status: criteria provided, single submitter. Criteria: ACMG Guidelines, 2015. Collection method: clinical testing. Allele origin: germline.
Comment: The COL4A4 c.2383G>C variant is predicted to result in the amino acid substitution p.Gly795Arg. The Gly795Arg variant affects a Gly residue of the conserved triple helical domain (residues 65 – 1459) of the COL4A4 protein. The majority of pathogenic variants in COL4A4 substitute a glycine residue to a bulkier amino acid in the triple-helical domain (Hudson et al. 1993. PubMed ID: 8253711).This variant also resides at the last nucleotide of the exon and is predicted to abolish the canonical donor splice site (Alamut Visual Plus v1.6.1). A different nucleotide change at this position that results in the same amino acid change (c.2383G>A, p.Gly795Arg) has been reported in the heterozygous state in an individual with chronic kidney disease (Gulati et al 2020. PubMed ID: 31922066). To our knowledge, this nucleotide change has not been reported in the literature. This variant is reported in 0.00088% of alleles in individuals of European (Non-Finnish) descent in gnomAD. This variant is interpreted as likely pathogenic.

NM_000092.5(COL4A4):c.2383G>C (p.Gly795Arg)

Gene: COL4A4 (collagen type IV alpha 4 chain; minus strand). Cytogenetic location: 2q36.3.
Variant type: single nucleotide variant.
Coding change: c.2383G>C on transcript NM_000092.5 (MANE Select); coding-DNA position 2383, G replaced by C.
Protein change: p.Gly795Arg; replaces glycine 795 with arginine.
Molecular consequence: missense variant.
Genome position (GRCh38, 1-based): chr2:227,059,405, C>G on the plus strand (G>C on the coding strand, the complement: COL4A4 is on the minus strand). VCF-style: chr2-227059405-C-G. GRCh37 (hg19) VCF-style: chr2-227924121-C-G.
Other names: short protein forms G795R.
Identifiers: ClinVar variation 2632916 (VCV002632916.1), dbSNP rs779584531, ClinGen allele CA2144825.